The following is an entry in ClinVar:

NM_000051.4(ATM):c.5919-6A>G

Genes: ATM (ATM serine/threonine kinase; plus strand), C11orf65 (chromosome 11 open reading frame 65; minus strand). Cytogenetic location: 11q22.3.
Variant type: single nucleotide variant.
Coding change: c.5919-6A>G on transcript NM_000051.4 (MANE Select); 6 bases into the intron before coding-DNA position 5919, A replaced by G.
Molecular consequence: intron variant.
Genome position (GRCh38, 1-based): chr11:108,312,405, A>G. VCF-style: chr11-108312405-A-G. GRCh37 (hg19) VCF-style: chr11-108183132-A-G.
Other names: c.5919-6A>G (NM_001351834.2); c.641-3334T>C (NM_001330368.2); c.*39-3334T>C (NM_001351110.2).
Identifiers: ClinVar variation 3253858 (VCV003253858.1), dbSNP rs2136058472.

ClinVar aggregate classification (germline): Likely benign (1 of 4 stars; one submission).

Conditions:
Familial cancer of breast. Also called: hereditary breast carcinoma; BREAST CANCER, FAMILIAL; Hereditary breast cancer. Identifiers: Orphanet 227535, MedGen C0346153, MONDO:0016419, OMIM 114480. Disease mechanism: loss of function.

Submission:

Myriad Genetics, Inc.
Classification: Likely benign for Familial cancer of breast. Last evaluated: 2024-05-28. Review status: criteria provided, single submitter. Criteria: Myriad Autosomal Dominant, Autosomal Recessive and X-Linked Classification Criteria (2023). Collection method: clinical testing. Allele origin: unknown.
Comment: This variant is considered likely benign. This variant is intronic and is not expected to impact mRNA splicing.